The following is an entry in ClinVar:

ClinVar aggregate classification (germline): Likely benign (1 of 4 stars; one submission).

Allele frequency attached by ClinVar (database versions not stated): 1000 Genomes Project 30x 0.00125; gnomAD exomes 0.00132; 1000 Genomes Project 0.00140; ESP Exome Variant Server 0.00154; gnomAD 0.00184; ExAC 0.00236.
gnomAD v4.1: 2,206 of 1,612,416 alleles (0.14%); highest among the groups gnomAD compares: African/African-American, 0.15%; 12 homozygotes.

Submission:

CeGaT Center for Human Genetics Tuebingen
Classification: Likely benign. Last evaluated: 2023-01-01. Review status: criteria provided, single submitter. Criteria: CeGaT Center For Human Genetics Tuebingen Variant Classification Criteria Version 2. Collection method: clinical testing. Allele origin: germline. Affected: yes. Observed: 1 variant allele.
Comment: MED15: BP4, BP7

NM_001003891.3(MED15):c.2232C>T (p.Asp744=)

Gene: MED15 (mediator complex subunit 15; plus strand). Cytogenetic location: 22q11.21.
Variant type: single nucleotide variant.
Coding change: c.2232C>T on transcript NM_001003891.3 (MANE Select); coding-DNA position 2232, C replaced by T.
Protein change: p.Asp744=; no amino-acid change (aspartic acid 744 retained).
Molecular consequence: synonymous variant.
Genome position (GRCh38, 1-based): chr22:20,586,569, C>T. VCF-style: chr22-20586569-C-T. GRCh37 (hg19) VCF-style: chr22-20940856-C-T.
Other names: c.2061C>T, p.Asp687= (NM_001293234.2); c.2034C>T, p.Asp678= (NM_001293235.2, NM_001293237.2); c.1899C>T, p.Asp633= (NM_001293236.2); c.2112C>T, p.Asp704= (NM_015889.5).
Identifiers: ClinVar variation 2652904 (VCV002652904.24), dbSNP rs142004622, ClinGen allele CA10114092.
Genomic context (GRCh38, chr22:20,586,569, plus strand): 5'-GTGCCAGGAGCGAGCGCAGCGCCGGCCGCCTTAGGTTCACGCCCACTGCTCTGTTGCAGA[C>T]GCCAACCCCTTCCTCCAGTCGGTGCACCGCTGCATGACCTCCAGGCTGCTGCAGCTCCCG-3'
Protein context (NP_001003891.1, residues 734-754): PLWIDRQWQY[Asp744=]ANPFLQSVHR